The following is an entry in ClinVar:

NM_022166.4(XYLT1):c.-110_280del (p.Met1_Gln94del)

Gene: XYLT1 (xylosyltransferase 1; minus strand). Cytogenetic location: 16p12.3.
Variant type: Deletion.
Coding change: c.-110_280del on transcript NM_022166.4 (MANE Select); 110 bases upstream of the start codon through coding-DNA position 280, 390 bases deleted.
Protein change: p.Met1_Gln94del.
Molecular consequence: inframe deletion, initiator codon variant.
Genome position (GRCh38, 1-based): chr16:17,470,517-17,470,906, 390 bases deleted. GRCh37 (hg19): chr16:17,564,376-17,564,765.
Identifiers: ClinVar variation 2734363 (VCV002734363.3), dbSNP rs2507321527, ClinGen allele CA2697555669.

ClinVar aggregate classification (germline): Pathogenic (1 of 4 stars; one submission).

Conditions:
Desbuquois dysplasia 1 (DBQD1). Also called: MICROMELIC DWARFISM WITH VERTEBRAL AND METAPHYSEAL ABNORMALITIES AND ADVANCED CARPOTARSAL OSSIFICATION; DESBUQUOIS DYSPLASIA 1, KIM VARIANT. Identifiers: Orphanet 1425, MedGen C4012146, MONDO:0009629, OMIM 251450.

Submission:

Labcorp Genetics (formerly Invitae), Labcorp
Classification: Pathogenic for Desbuquois dysplasia 1. Last evaluated: 2023-06-30. Review status: criteria provided, single submitter. Criteria: Invitae Variant Classification Sherloc (09022015). Collection method: clinical testing. Allele origin: germline.
Comment: For these reasons, this variant has been classified as Pathogenic. Algorithms developed to predict the effect of sequence changes on RNA splicing suggest that this variant may disrupt the consensus splice site. This variant has not been reported in the literature in individuals affected with XYLT1-related conditions. The frequency data for this variant in the population databases is considered unreliable, as metrics indicate insufficient coverage at this position in the gnomAD database. This variant results in the deletion of part of exon 1 (c.-110_280del) of the XYLT1 gene. It is expected to result in an absent or disrupted protein product. Loss-of-function variants in XYLT1 are known to be pathogenic (PMID: 24581741, 26601923).

Literature cited by the submitters: PubMed 24581741; PubMed 26601923.